The following is an entry in ClinVar:

ClinVar aggregate classification (germline): Uncertain significance. Review status: criteria provided, multiple submitters, no conflicts (2 of 4 stars). 2 submissions from 2 submitters: Uncertain significance (2). Last evaluated 2025-12-15.

Submissions (2):

Labcorp Genetics (formerly Invitae), Labcorp
Classification: Uncertain significance. Last evaluated: 2025-12-15. Review status: criteria provided, single submitter. Criteria: Invitae Variant Classification Sherloc (09022015). Collection method: clinical testing. Allele origin: germline.
Comment: This sequence change replaces threonine, which is neutral and polar, with methionine, which is neutral and non-polar, at codon 761 of the FBN3 protein (p.Thr761Met). This variant is present in population databases (rs755612811, gnomAD 0.02%). This variant has not been reported in the literature in individuals affected with FBN3-related conditions. Invitae Evidence Modeling of protein sequence and biophysical properties (such as structural, functional, and spatial information, amino acid conservation, physicochemical variation, residue mobility, and thermodynamic stability) indicates that this missense variant is not expected to disrupt FBN3 protein function with a negative predictive value of 80%. In summary, the available evidence is currently insufficient to determine the role of this variant in disease. Therefore, it has been classified as a Variant of Uncertain Significance.

Ambry Genetics
Classification: Uncertain significance. Last evaluated: 2025-11-26. Review status: criteria provided, single submitter. Criteria: Ambry Variant Classification Scheme 2023. Collection method: clinical testing. Allele origin: germline.

NM_032447.5(FBN3):c.2282C>T (p.Thr761Met)

Gene: FBN3 (fibrillin 3; minus strand). Cytogenetic location: 19p13.2.
Variant type: single nucleotide variant.
Coding change: c.2282C>T on transcript NM_032447.5 (MANE Select); coding-DNA position 2282, C replaced by T.
Protein change: p.Thr761Met; replaces threonine 761 with methionine.
Molecular consequence: missense variant.
Genome position (GRCh38, 1-based): chr19:8,129,042, G>A on the plus strand (C>T on the coding strand, the complement: FBN3 is on the minus strand). VCF-style: chr19-8129042-G-A. GRCh37 (hg19) VCF-style: chr19-8193926-G-A.
Other names: c.2282C>T, p.Thr761Met (NM_001321431.2); short protein forms T761M.
Identifiers: ClinVar variation 4667335 (VCV004667335.2).